The following is an entry in ClinVar:

ClinVar aggregate classification (germline): Benign/Likely benign. Review status: criteria provided, multiple submitters, no conflicts (2 of 4 stars). 5 submissions from 5 submitters: Benign (1); Likely benign (3). 1 of the submissions does not count toward it. Last evaluated 2025-09-30.

Conditions:
PDGFRB-related disorder. Also called: PDGFRB-related condition.
Skeletal overgrowth-craniofacial dysmorphism-hyperelastic skin-white matter lesions syndrome. Also called: SKELETAL OVERGROWTH WITH FACIAL DYSMORPHISM, HYPERELASTIC SKIN, WHITE MATTER LESIONS, AND NEUROLOGIC DETERIORATION; Kosaki overgrowth syndrome. Identifiers: Orphanet 477831, MedGen C4225270, MONDO:0014704, OMIM 616592.
Acroosteolysis-keloid-like lesions-premature aging syndrome. Also called: Premature aging syndrome, Penttinen type; Prematurely aged appearance, delayed bone maturation, acro-osteolysis, and brachydactyly; Progeroid syndrome, Penttinen type. Identifiers: Orphanet 363665, MedGen C1866182, MONDO:0011150, OMIM 601812.
Infantile myofibromatosis (IMF). Also called: Congenital generalized fibromatosis. Identifiers: Orphanet 2591, MedGen C0432284, MONDO:0016824.
Basal ganglia calcification, idiopathic, 4 (PFBC4). Also called: PRIMARY FAMILIAL BRAIN CALCIFICATION 4, AUTOSOMAL DOMINANT; Familial Idiopathic Basal Ganglia Calcification 4. Identifiers: Orphanet 1980, MedGen C3554321, MONDO:0014004, OMIM 615007.

Allele frequency attached by ClinVar (database versions not stated): ESP Exome Variant Server 0.00015; TOPMed 0.00017; gnomAD 0.00010; ExAC 0.00035; 1000 Genomes Project 0.00040; 1000 Genomes Project 30x 0.00031.
gnomAD v4.1: 478 of 1,613,844 alleles (0.03%); highest among the groups gnomAD compares: South Asian, 0.13%; 7 homozygotes.

Submissions (5):

Labcorp Genetics (formerly Invitae), Labcorp
Classification: Likely benign for Basal ganglia calcification, idiopathic, 4; Skeletal overgrowth-craniofacial dysmorphism-hyperelastic skin-white matter lesions syndrome; Infantile myofibromatosis; Acroosteolysis-keloid-like lesions-premature aging syndrome. Last evaluated: 2025-09-30. Review status: criteria provided, single submitter. Criteria: Invitae Variant Classification Sherloc (09022015). Collection method: clinical testing. Allele origin: germline.

Blueprint Genetics
Classification: Likely benign. Last evaluated: 2024-10-23. Review status: criteria provided, single submitter. Criteria: ACMG Guidelines, 2015. Collection method: clinical testing. Allele origin: germline.

GeneDx
Classification: Benign. Last evaluated: 2020-03-02. Review status: criteria provided, single submitter. Criteria: GeneDx Variant Classification Process June 2021. Collection method: clinical testing. Allele origin: germline. Affected: yes.

Breakthrough Genomics
Classification: Likely benign. Review status: criteria provided, single submitter. Criteria: ACMG Guidelines, 2015. Collection method: not provided. Allele origin: germline. Inheritance: Autosomal dominant inheritance. Affected: yes.

PreventionGenetics, part of Exact Sciences
Classification: Likely benign for PDGFRB-related condition. Last evaluated: 2020-01-13. Review status: no assertion criteria provided. Collection method: clinical testing. Allele origin: germline. Not counted in ClinVar's aggregate classification.
Comment: This variant is classified as likely benign based on ACMG/AMP sequence variant interpretation guidelines (Richards et al. 2015 PMID: 25741868, with internal and published modifications).

NM_002609.4(PDGFRB):c.2960G>A (p.Arg987Gln)

Gene: PDGFRB (platelet derived growth factor receptor beta; minus strand). Cytogenetic location: 5q32.
Variant type: single nucleotide variant.
Coding change: c.2960G>A on transcript NM_002609.4 (MANE Select); coding-DNA position 2960, G replaced by A.
Protein change: p.Arg987Gln; replaces arginine 987 with glutamine.
Molecular consequence: missense variant.
Genome position (GRCh38, 1-based): chr5:150,117,795, C>T on the plus strand (G>A on the coding strand, the complement: PDGFRB is on the minus strand). VCF-style: chr5-150117795-C-T. GRCh37 (hg19) VCF-style: chr5-149497358-C-T.
Other names: c.2768G>A, p.Arg923Gln (NM_001355016.2); c.2477G>A, p.Arg826Gln (NM_001355017.2); short protein forms R826Q, R923Q, R987Q.
Identifiers: ClinVar variation 733483 (VCV000733483.15), dbSNP rs35731372, ClinGen allele CA3507467.